The following is an entry in ClinVar:

ClinVar aggregate classification (germline): Uncertain significance (1 of 4 stars; one submission).

Allele frequency attached by ClinVar (database versions not stated): TOPMed below 0.00001; gnomAD exomes 0.00001; ExAC 0.00003.
gnomAD v4.1: 14 of 1,613,768 alleles (0.00087%); highest among the groups gnomAD compares: Non-Finnish European, 0.0012%; no homozygotes.

Submission:

Labcorp Genetics (formerly Invitae), Labcorp
Classification: Uncertain significance. Last evaluated: 2022-04-06. Review status: criteria provided, single submitter. Criteria: Invitae Variant Classification Sherloc (09022015). Collection method: clinical testing. Allele origin: germline.
Comment: This sequence change replaces leucine, which is neutral and non-polar, with histidine, which is basic and polar, at codon 170 of the HACD1 protein (p.Leu170His). This variant is present in population databases (rs781998397, gnomAD 0.004%). This variant has not been reported in the literature in individuals affected with HACD1-related conditions. Algorithms developed to predict the effect of missense changes on protein structure and function are either unavailable or do not agree on the potential impact of this missense change (SIFT: "Deleterious"; PolyPhen-2: "Probably Damaging"; Align-GVGD: "Class C0"). In summary, the available evidence is currently insufficient to determine the role of this variant in disease. Therefore, it has been classified as a Variant of Uncertain Significance.

NM_014241.4(HACD1):c.509T>A (p.Leu170His)

Gene: HACD1 (3-hydroxyacyl-CoA dehydratase 1; minus strand). Cytogenetic location: 10p12.33.
Variant type: single nucleotide variant.
Coding change: c.509T>A on transcript NM_014241.4 (MANE Select); coding-DNA position 509, T replaced by A.
Protein change: p.Leu170His; replaces leucine 170 with histidine.
Molecular consequence: missense variant.
Genome position (GRCh38, 1-based): chr10:17,599,386, A>T on the plus strand (T>A on the coding strand, the complement: HACD1 is on the minus strand). VCF-style: chr10-17599386-A-T. GRCh37 (hg19) VCF-style: chr10-17641385-A-T.
Other names: short protein forms L170H.
Identifiers: ClinVar variation 2121904 (VCV002121904.1), dbSNP rs781998397, ClinGen allele CA5427277.